The following is an entry in ClinVar:

NM_031935.3(HMCN1):c.3206A>G (p.Tyr1069Cys)

Gene: HMCN1 (hemicentin 1; plus strand). Cytogenetic location: 1q31.1.
Variant type: single nucleotide variant.
Coding change: c.3206A>G on transcript NM_031935.3 (MANE Select); coding-DNA position 3206, A replaced by G.
Protein change: p.Tyr1069Cys; replaces tyrosine 1069 with cysteine.
Molecular consequence: missense variant.
Genome position (GRCh38, 1-based): chr1:185,989,645, A>G. VCF-style: chr1-185989645-A-G. GRCh37 (hg19) VCF-style: chr1-185958777-A-G.
Other names: short protein forms Y1069C.
Identifiers: ClinVar variation 2701570 (VCV002701570.3), dbSNP rs2527392202, ClinGen allele CA343893323.

ClinVar aggregate classification (germline): Uncertain significance (1 of 4 stars; one submission).

Allele frequency attached by ClinVar (database versions not stated): gnomAD exomes below 0.00001.
gnomAD v4.1: 3 of 1,613,856 alleles (0.00019%); highest among the groups gnomAD compares: Non-Finnish European, 0.00025%; no homozygotes.

Submission:

Labcorp Genetics (formerly Invitae), Labcorp
Classification: Uncertain significance. Last evaluated: 2024-04-11. Review status: criteria provided, single submitter. Criteria: Invitae Variant Classification Sherloc (09022015). Collection method: clinical testing. Allele origin: germline.
Comment: This sequence change replaces tyrosine, which is neutral and polar, with cysteine, which is neutral and slightly polar, at codon 1069 of the HMCN1 protein (p.Tyr1069Cys). This variant is not present in population databases (gnomAD no frequency). This variant has not been reported in the literature in individuals affected with HMCN1-related conditions. An algorithm developed to predict the effect of missense changes on protein structure and function (PolyPhen-2) suggests that this variant is likely to be disruptive. In summary, the available evidence is currently insufficient to determine the role of this variant in disease. Therefore, it has been classified as a Variant of Uncertain Significance.